The following is an entry in ClinVar:

NM_004006.3(DMD):c.6215T>C (p.Val2072Ala)

Gene: DMD (dystrophin; minus strand). Cytogenetic location: Xp21.1.
Variant type: single nucleotide variant.
Coding change: c.6215T>C on transcript NM_004006.3 (MANE Select); coding-DNA position 6215, T replaced by C.
Protein change: p.Val2072Ala; replaces valine 2072 with alanine.
Molecular consequence: missense variant.
Genome position (GRCh38, 1-based): chrX:32,287,604, A>G on the plus strand (T>C on the coding strand, the complement: DMD is on the minus strand). VCF-style: chrX-32287604-A-G. GRCh37 (hg19) VCF-style: chrX-32305721-A-G.
Other names: c.6191T>C, p.Val2064Ala (NM_000109.4); c.6203T>C, p.Val2068Ala (NM_004009.3); c.5846T>C, p.Val1949Ala (NM_004010.3); c.2192T>C, p.Val731Ala (NM_004011.4); c.2183T>C, p.Val728Ala (NM_004012.4); short protein forms V2068A, V2072A, V728A, V731A, V1949A, V2064A.
Identifiers: ClinVar variation 3634814 (VCV003634814.2).
Genomic context (GRCh38, chrX:32,287,604, plus strand): 5'-TACATTTTGTTAACTTTTTCCCATTGGAAATCAAGCTGGGAGAGAGCTTCCTGTAGCTTC[A>G]CCCTTTCCACAGGCGTTGCACTTTGCAATGCTGCTGTCTTCTTGCTATGAATAATGTCAA-3'
Protein context (NP_003997.2, residues 2062-2082): ALQSATPVER[Val2072Ala]KLQEALSQLD

ClinVar aggregate classification (germline): Uncertain significance (1 of 4 stars; one submission).

Conditions:
Duchenne muscular dystrophy (DMD). Also called: MUSCULAR DYSTROPHY, PSEUDOHYPERTROPHIC PROGRESSIVE, DUCHENNE TYPE; Duchenne Muscular Dystrophy (DMD). Identifiers: Orphanet 98896, MedGen C0013264, MONDO:0010679, OMIM 310200.

gnomAD v4.1: 2 of 1,210,059 alleles (0.00017%); highest among the groups gnomAD compares: Non-Finnish European, 0.00022%; no homozygotes.

Submission:

Labcorp Genetics (formerly Invitae), Labcorp
Classification: Uncertain significance for Duchenne muscular dystrophy. Last evaluated: 2024-05-24. Review status: criteria provided, single submitter. Criteria: Invitae Variant Classification Sherloc (09022015). Collection method: clinical testing. Allele origin: germline.
Comment: This sequence change replaces valine, which is neutral and non-polar, with alanine, which is neutral and non-polar, at codon 2072 of the DMD protein (p.Val2072Ala). This variant is not present in population databases (gnomAD no frequency). This variant has not been reported in the literature in individuals affected with DMD-related conditions. Advanced modeling of protein sequence and biophysical properties (such as structural, functional, and spatial information, amino acid conservation, physicochemical variation, residue mobility, and thermodynamic stability) performed at Invitae indicates that this missense variant is not expected to disrupt DMD protein function with a negative predictive value of 95%. In summary, the available evidence is currently insufficient to determine the role of this variant in disease. Therefore, it has been classified as a Variant of Uncertain Significance.